The following is an entry in ClinVar:

NM_032447.5(FBN3):c.4292A>T (p.Asn1431Ile)

Gene: FBN3 (fibrillin 3; minus strand). Cytogenetic location: 19p13.2.
Variant type: single nucleotide variant.
Coding change: c.4292A>T on transcript NM_032447.5 (MANE Select); coding-DNA position 4292, A replaced by T.
Protein change: p.Asn1431Ile; replaces asparagine 1431 with isoleucine.
Molecular consequence: missense variant.
Genome position (GRCh38, 1-based): chr19:8,110,886, T>A on the plus strand (A>T on the coding strand, the complement: FBN3 is on the minus strand). VCF-style: chr19-8110886-T-A. GRCh37 (hg19) VCF-style: chr19-8175770-T-A.
Other names: c.4292A>T (NM_001321431.1); c.4292A>T, p.Asn1431Ile (NM_001321431.2); short protein forms N1431I.
Identifiers: ClinVar variation 716499 (VCV000716499.12), dbSNP rs17160194, ClinGen allele CA9152114.

ClinVar aggregate classification (germline): Benign. Review status: criteria provided, multiple submitters, no conflicts (2 of 4 stars). 3 submissions from 3 submitters: Benign (2). 1 of the submissions does not count toward it. Last evaluated 2026-02-01.

Conditions:
FBN3-related disorder. Also called: FBN3-related condition.

Allele frequency attached by ClinVar (database versions not stated): ExAC 0.00355; gnomAD 0.01074 and 0.01169; 1000 Genomes Project 0.01118; 1000 Genomes Project 30x 0.01140; TOPMed 0.01250; ESP Exome Variant Server 0.01469.
gnomAD v4.1: 3,283 of 1,614,212 alleles (0.2%); highest among the groups gnomAD compares: African/African-American, 3.8%; 60 homozygotes.

Submissions (3):

Labcorp Genetics (formerly Invitae), Labcorp
Classification: Benign. Last evaluated: 2026-02-01. Review status: criteria provided, single submitter. Criteria: Invitae Variant Classification Sherloc (09022015). Collection method: clinical testing. Allele origin: germline.

Breakthrough Genomics
Classification: Benign. Review status: criteria provided, single submitter. Criteria: ACMG Guidelines, 2015. Collection method: not provided. Allele origin: germline. Inheritance: Unknown mechanism. Affected: yes.

PreventionGenetics, part of Exact Sciences
Classification: Benign for FBN3-related condition. Last evaluated: 2019-05-02. Review status: no assertion criteria provided. Collection method: clinical testing. Allele origin: germline. Not counted in ClinVar's aggregate classification.
Comment: This variant is classified as benign based on ACMG/AMP sequence variant interpretation guidelines (Richards et al. 2015 PMID: 25741868, with internal and published modifications).